The following is an entry in ClinVar:

NM_002016.2(FLG):c.1399T>A (p.Ser467Thr)

Genes: CCDST (cervical cancer associated DHX9 suppressive transcript; plus strand), FLG (filaggrin; minus strand). Cytogenetic location: 1q21.3.
Variant type: single nucleotide variant.
Coding change: c.1399T>A on transcript NM_002016.2 (MANE Select); coding-DNA position 1399, T replaced by A.
Protein change: p.Ser467Thr; replaces serine 467 with threonine.
Molecular consequence: missense variant. On other transcripts: non-coding transcript variant (1).
Genome position (GRCh38, 1-based): chr1:152,313,487, A>T on the plus strand (T>A on the coding strand, the complement: FLG is on the minus strand). VCF-style: chr1-152313487-A-T. GRCh37 (hg19) VCF-style: chr1-152285963-A-T.
Other names: short protein forms S467T.
Identifiers: ClinVar variation 4875074 (VCV004875074.2).
Genomic context (GRCh38, chr1:152,313,487, plus strand): 5'-TCCCGGTCCGTCCATGGGCAGAGTCAGGCTGTTCATGAGTGCTCACCTGGTAGAGGGAAG[A>T]CCCTGAACGTCCAGACCGTTCCCCTGACCGGCCACGTGTGGACTCTTGGTGGCTCTGCTG-3'
Protein context (NP_002007.1, residues 457-477): RSGERSGRSG[Ser467Thr]SLYQVSTHEQ

ClinVar aggregate classification (germline): Likely benign (1 of 4 stars; one submission).

gnomAD v4.1: 3 of 1,613,312 alleles (0.00019%); highest among the groups gnomAD compares: Admixed American, 0.005%; no homozygotes.

Submission:

CeGaT Center for Human Genetics Tuebingen
Classification: Likely benign. Last evaluated: 2026-06-01. Review status: criteria provided, single submitter. Criteria: CeGaT Center For Human Genetics Tuebingen Variant Classification Criteria Version 2. Collection method: clinical testing. Allele origin: germline. Affected: yes. Observed: 1 variant allele.
Comment: FLG: BP4